The following is an entry in ClinVar:

ClinVar aggregate classification (germline): Uncertain significance (1 of 4 stars; one submission).

Allele frequency attached by ClinVar (database versions not stated): gnomAD exomes 0.00002; gnomAD 0.00003; TOPMed 0.00004; ExAC 0.00007; ESP Exome Variant Server 0.00025.

Submission:

Labcorp Genetics (formerly Invitae), Labcorp
Classification: Uncertain significance. Last evaluated: 2022-05-18. Review status: criteria provided, single submitter. Criteria: Invitae Variant Classification Sherloc (09022015). Collection method: clinical testing. Allele origin: germline.
Comment: This sequence change replaces asparagine, which is neutral and polar, with serine, which is neutral and polar, at codon 192 of the MPDZ protein (p.Asn192Ser). This variant is present in population databases (rs376118340, gnomAD 0.007%). This variant has not been reported in the literature in individuals affected with MPDZ-related conditions. Algorithms developed to predict the effect of missense changes on protein structure and function are either unavailable or do not agree on the potential impact of this missense change (SIFT: "Deleterious"; PolyPhen-2: "Benign"; Align-GVGD: "Class C45"). Algorithms developed to predict the effect of sequence changes on RNA splicing suggest that this variant may disrupt the consensus splice site. In summary, the available evidence is currently insufficient to determine the role of this variant in disease. Therefore, it has been classified as a Variant of Uncertain Significance.

NM_001378778.1(MPDZ):c.575A>G (p.Asn192Ser)

Gene: MPDZ (multiple PDZ domain crumbs cell polarity complex component; minus strand). Cytogenetic location: 9p23.
Variant type: single nucleotide variant.
Coding change: c.575A>G on transcript NM_001378778.1 (MANE Select); coding-DNA position 575, A replaced by G.
Protein change: p.Asn192Ser; replaces asparagine 192 with serine.
Molecular consequence: missense variant.
Genome position (GRCh38, 1-based): chr9:13,222,405, T>C on the plus strand (A>G on the coding strand, the complement: MPDZ is on the minus strand). VCF-style: chr9-13222405-T-C. GRCh37 (hg19) VCF-style: chr9-13222404-T-C.
Other names: c.575A>G, p.Asn192Ser (NM_001261406.2, NM_001261407.2, NM_001330637.2 and 14 more transcripts); short protein forms N192S.
Identifiers: ClinVar variation 1944893 (VCV001944893.2), dbSNP rs376118340, ClinGen allele CA4988069.